The following is an entry in ClinVar:

ClinVar aggregate classification (germline): Conflicting classifications of pathogenicity. Review status: criteria provided, conflicting classifications (1 of 4 stars). 4 submissions from 4 submitters: Likely pathogenic (3); Uncertain significance (1). Last evaluated 2024-02-20.

Conditions:
Congenital myotonia, autosomal recessive form. Also called: myotonia congenita, autosomal recessive; BECKER DISEASE; Becker Generalized Myotonia. Identifiers: Orphanet 614, MedGen C0751360, MONDO:0009715, OMIM 255700.
Congenital myotonia, autosomal dominant form (THD). Also called: THOMSEN DISEASE; Myotonia congenita autosomal dominant. Identifiers: Orphanet 614, MedGen C2936781, MONDO:0008055, OMIM 160800.

Allele frequency attached by ClinVar (database versions not stated): gnomAD 0.00001; TOPMed 0.00001.
gnomAD v4.1: 7 of 1,612,344 alleles (0.00043%); highest among the groups gnomAD compares: South Asian, 0.0022%; no homozygotes.

Submissions (4):

Labcorp Genetics (formerly Invitae), Labcorp
Classification: Likely pathogenic for Congenital myotonia, autosomal recessive form; Congenital myotonia, autosomal dominant form. Last evaluated: 2024-02-20. Review status: criteria provided, single submitter. Criteria: Invitae Variant Classification Sherloc (09022015). Collection method: clinical testing. Allele origin: germline.
Comment: This sequence change replaces glycine, which is neutral and non-polar, with tryptophan, which is neutral and slightly polar, at codon 255 of the CLCN1 protein (p.Gly255Trp). This variant is present in population databases (no rsID available, gnomAD 0.006%). This missense change has been observed in individuals with autosomal recessive myotonia congenita (PMID: 29606556; Invitae). ClinVar contains an entry for this variant (Variation ID: 447070). Advanced modeling of protein sequence and biophysical properties (such as structural, functional, and spatial information, amino acid conservation, physicochemical variation, residue mobility, and thermodynamic stability) performed at Invitae indicates that this missense variant is expected to disrupt CLCN1 protein function with a positive predictive value of 95%. In summary, the currently available evidence indicates that the variant is pathogenic, but additional data are needed to prove that conclusively. Therefore, this variant has been classified as Likely Pathogenic.

Kariminejad - Najmabadi Pathology & Genetics Center
Classification: Likely pathogenic for Congenital myotonia, autosomal recessive form. Last evaluated: 2023-10-23. Review status: criteria provided, single submitter. Criteria: ACMG Guidelines, 2015. Collection method: clinical testing. Allele origin: germline. Inheritance: Autosomal recessive inheritance. Affected: yes.
Comment: PM2,PP3,PP2,PP5

Women's Health and Genetics/Laboratory Corporation of America, LabCorp
Classification: Uncertain significance. Last evaluated: 2023-07-21. Review status: criteria provided, single submitter. Criteria: LabCorp Variant Classification Summary - May 2015. Collection method: clinical testing. Allele origin: germline.
Comment: Variant summary: CLCN1 c.763G>T (p.Gly255Trp) results in a non-conservative amino acid change in the encoded protein sequence. Five of five in-silico tools predict a damaging effect of the variant on protein function. The variant allele was found at a frequency of 1.6e-05 in 251422 control chromosomes (gnomAD). The available data on variant occurrences in the general population are insufficient to allow any conclusion about variant significance. c.763G>T has been reported in the literature in a compound heterozygous individual affected with Myotonia congenita (Stunnenberg_2018). These data do not allow any conclusion about variant significance. To our knowledge, no experimental evidence demonstrating an impact on protein function has been reported. The following publication has been ascertained in the context of this evaluation (PMID: 29606556). Two submitters have cited clinical-significance assessments for this variant to ClinVar after 2014, and classified it as likely pathogenic. Based on the evidence outlined above, the variant was classified as uncertain significance.

Athena Diagnostics
Classification: Likely pathogenic. Last evaluated: 2022-11-14. Review status: criteria provided, single submitter. Criteria: Athena Diagnostics Criteria. Collection method: clinical testing. Allele origin: unknown.
Comment: The frequency of this variant in the general population is consistent with pathogenicity. This variant has been identified in at least one individual with recessive myotonia congenita. In multiple individuals, this variant has been seen with a single recessive pathogenic variant in the same gene, suggesting this variant may also be pathogenic. Computational tools predict that this variant is damaging.

Literature cited by the submitters: PubMed 29606556 (cited by 3 submitters); PubMed 34426522 (cited by Athena Diagnostics).

NM_000083.3(CLCN1):c.763G>T (p.Gly255Trp)

Gene: CLCN1 (chloride voltage-gated channel 1; plus strand). Cytogenetic location: 7q34.
Variant type: single nucleotide variant.
Coding change: c.763G>T on transcript NM_000083.3 (MANE Select); coding-DNA position 763, G replaced by T.
Protein change: p.Gly255Trp; replaces glycine 255 with tryptophan.
Molecular consequence: missense variant. On other transcripts: non-coding transcript variant (1).
Genome position (GRCh38, 1-based): chr7:143,323,375, G>T. VCF-style: chr7-143323375-G-T. GRCh37 (hg19) VCF-style: chr7-143020468-G-T.
Other names: short protein forms G255W.
Identifiers: ClinVar variation 447070 (VCV000447070.13), dbSNP rs746691295, ClinGen allele CA369686764.
Genomic context (GRCh38, chr7:143,323,375, plus strand): 5'-TTCGTCCACATTGCCAGCATCTGTGCTGCTGTCCTCAGCAAATTCATGTCTGTGTTCTGC[G>T]GGGTATATGAGGTAAGGTTGAGACAGTGAAATGAGCTGGGGCCAGGTGGTAGAAGGAGTC-3'
Protein context (NP_000074.3, residues 245-265): VLSKFMSVFC[Gly255Trp]VYEQPYYYSD